The following is an entry in ClinVar:

NM_001018115.3(FANCD2):c.3289C>T (p.Arg1097Ter)

Genes: FANCD2 (FA complementation group D2; plus strand), FANCD2OS (FANCD2 opposite strand; minus strand). Cytogenetic location: 3p25.3.
Variant type: single nucleotide variant.
Coding change: c.3289C>T on transcript NM_001018115.3 (MANE Select); coding-DNA position 3289, C replaced by T.
Protein change: p.Arg1097Ter; replaces arginine 1097 with a stop codon.
Molecular consequence: nonsense. On other transcripts: intron variant (1).
Genome position (GRCh38, 1-based): chr3:10,085,876, C>T. VCF-style: chr3-10085876-C-T. GRCh37 (hg19) VCF-style: chr3-10127560-C-T.
Other names: c.3289C>T, p.Arg1097Ter (NM_001319984.2, NM_001374254.1, NM_033084.6); c.3178C>T, p.Arg1060Ter (NM_001374253.1); c.*44-4345G>A (NM_173472.2); short protein forms R1060*, R1097*.
Identifiers: ClinVar variation 2079849 (VCV002079849.4), dbSNP rs2125069514, ClinGen allele CA351751334.

ClinVar aggregate classification (germline): Pathogenic/Likely pathogenic. Review status: criteria provided, multiple submitters, no conflicts (2 of 4 stars). 2 submissions from 2 submitters: Pathogenic (1); Likely pathogenic (1). Last evaluated 2023-11-09.

Conditions:
Fanconi anemia complementation group D2. Also called: FANCD2-Related Fanconi Anemia; FANCONI PANCYTOPENIA, TYPE 4; FANCONI ANEMIA, COMPLEMENTATION GROUP D. Identifiers: Orphanet 84, MedGen C3160738, MONDO:0009214, OMIM 227646.
Fanconi anemia (FA). Also called: Fanconi's anemia. Identifiers: Orphanet 84, MedGen C0015625, MeSH D005199, MONDO:0019391.

Allele frequency attached by ClinVar (database versions not stated): gnomAD exomes below 0.00001.
gnomAD v4.1: 3 of 1,613,614 alleles (0.00019%); highest among the groups gnomAD compares: Non-Finnish European, 0.00025%; no homozygotes.

Submissions (2):

Baylor Genetics
Classification: Likely pathogenic for Fanconi anemia complementation group D2. Last evaluated: 2023-11-09. Review status: criteria provided, single submitter. Criteria: ACMG Guidelines, 2015. Collection method: clinical testing. Allele origin: unknown.

Labcorp Genetics (formerly Invitae), Labcorp
Classification: Pathogenic for Fanconi anemia. Last evaluated: 2022-02-04. Review status: criteria provided, single submitter. Criteria: Invitae Variant Classification Sherloc (09022015). Collection method: clinical testing. Allele origin: germline.
Comment: This sequence change creates a premature translational stop signal (p.Arg1097*) in the FANCD2 gene. It is expected to result in an absent or disrupted protein product. Loss-of-function variants in FANCD2 are known to be pathogenic (PMID: 17436244). For these reasons, this variant has been classified as Pathogenic. This variant has not been reported in the literature in individuals affected with FANCD2-related conditions. This variant is not present in population databases (gnomAD no frequency).

Literature cited by the submitters: PubMed 17436244 (cited by Labcorp Genetics (formerly Invitae), Labcorp).